The following is an entry in ClinVar:

NM_138691.3(TMC1):c.2245G>T (p.Ala749Ser)

Gene: TMC1 (transmembrane channel like 1; plus strand). Cytogenetic location: 9q21.13.
Variant type: single nucleotide variant.
Coding change: c.2245G>T on transcript NM_138691.3 (MANE Select); coding-DNA position 2245, G replaced by T.
Protein change: p.Ala749Ser; replaces alanine 749 with serine.
Molecular consequence: missense variant.
Genome position (GRCh38, 1-based): chr9:72,830,667, G>T. VCF-style: chr9-72830667-G-T. GRCh37 (hg19) VCF-style: chr9-75445583-G-T.
Other names: short protein forms A749S.
Identifiers: ClinVar variation 912832 (VCV000912832.35), dbSNP rs139102393, ClinGen allele CA5082202.

ClinVar aggregate classification (germline): Uncertain significance. Review status: criteria provided, multiple submitters, no conflicts (2 of 4 stars). 9 submissions from 8 submitters: Uncertain significance (9). Last evaluated 2025-12-30.

Conditions:
Inborn genetic diseases. Identifiers: MedGen C0950123, MeSH D030342.
Autosomal dominant nonsyndromic hearing loss 36. Identifiers: Orphanet 90635, MedGen C1847626, MONDO:0011708, OMIM 606705.
Autosomal recessive nonsyndromic hearing loss 7. Also called: DEAFNESS, AUTOSOMAL RECESSIVE 11. Identifiers: Orphanet 90636, MedGen C1832978, MONDO:0010967, OMIM 600974.

Allele frequency attached by ClinVar (database versions not stated): ExAC 0.00008; gnomAD 0.00008 and 0.00009; gnomAD exomes 0.00008; TOPMed 0.00008; 1000 Genomes Project 30x 0.00016; ESP Exome Variant Server 0.00023.
gnomAD v4.1: 128 of 1,613,264 alleles (0.0079%); highest among the groups gnomAD compares: Non-Finnish European, 0.0099%; no homozygotes.

Submissions (9):

Women's Health and Genetics/Laboratory Corporation of America, LabCorp
Classification: Uncertain significance. Last evaluated: 2025-12-30. Review status: criteria provided, single submitter. Criteria: LabCorp Variant Classification Summary - May 2015. Collection method: clinical testing. Allele origin: germline.
Comment: Variant summary: TMC1 c.2245G>T (p.Ala749Ser) results in a conservative amino acid change in the encoded protein sequence. Algorithms developed to predict the effect of missense changes on protein structure and function are either unavailable or do not agree on the potential impact of this missense change. The variant allele was found at a frequency of 7.6e-05 in 251236 control chromosomes. This frequency is not significantly higher than estimated for disease-causing variants in TMC1, allowing no conclusion about variant significance. To our knowledge, no occurrence of c.2245G>T in individuals affected with TMC1-related conditions and no experimental evidence demonstrating its impact on protein function have been reported. ClinVar contains an entry for this variant (Variation ID: 912832). Based on the evidence outlined above, the variant was classified as uncertain significance.

Labcorp Genetics (formerly Invitae), Labcorp
Classification: Uncertain significance. Last evaluated: 2025-11-03. Review status: criteria provided, single submitter. Criteria: Invitae Variant Classification Sherloc (09022015). Collection method: clinical testing. Allele origin: germline.
Comment: This sequence change replaces alanine, which is neutral and non-polar, with serine, which is neutral and polar, at codon 749 of the TMC1 protein (p.Ala749Ser). This variant is present in population databases (rs139102393, gnomAD 0.02%). This variant has not been reported in the literature in individuals affected with TMC1-related conditions. ClinVar contains an entry for this variant (Variation ID: 912832). Invitae Evidence Modeling of protein sequence and biophysical properties (such as structural, functional, and spatial information, amino acid conservation, physicochemical variation, residue mobility, and thermodynamic stability) indicates that this missense variant is not expected to disrupt TMC1 protein function with a negative predictive value of 80%. In summary, the available evidence is currently insufficient to determine the role of this variant in disease. Therefore, it has been classified as a Variant of Uncertain Significance.

Ambry Genetics
Classification: Uncertain significance for Inborn genetic diseases. Last evaluated: 2025-08-27. Review status: criteria provided, single submitter. Criteria: Ambry Variant Classification Scheme 2023. Collection method: clinical testing. Allele origin: germline.

CeGaT Center for Human Genetics Tuebingen
Classification: Uncertain significance. Last evaluated: 2025-07-01. Review status: criteria provided, single submitter. Criteria: CeGaT Center For Human Genetics Tuebingen Variant Classification Criteria Version 2. Collection method: clinical testing. Allele origin: germline. Affected: yes. Observed: 2 variant alleles.

GeneDx
Classification: Uncertain significance. Last evaluated: 2025-05-08. Review status: criteria provided, single submitter. Criteria: GeneDx Variant Classification Process June 2021. Collection method: clinical testing. Allele origin: germline.
Comment: In silico analysis suggests that this missense variant does not alter protein structure/function; Has not been previously published as pathogenic or benign to our knowledge

Revvity Omics, Revvity
Classification: Uncertain significance. Last evaluated: 2022-04-08. Review status: criteria provided, single submitter. Criteria: ACMG Guidelines, 2015. Collection method: clinical testing. Allele origin: germline.

AiLife Diagnostics
Classification: Uncertain significance. Last evaluated: 2021-06-11. Review status: criteria provided, single submitter. Criteria: ACMG Guidelines, 2015. Collection method: clinical testing. Allele origin: germline. Affected: yes. Observed: 1 variant allele.

Illumina Laboratory Services, Illumina
Classification: Uncertain significance for Autosomal dominant nonsyndromic hearing loss 36. Last evaluated: 2018-01-13. Review status: criteria provided, single submitter. Criteria: ICSL Variant Classification Criteria 13 December 2019. Collection method: clinical testing. Allele origin: germline.

Illumina Laboratory Services, Illumina
Classification: Uncertain significance for Autosomal recessive nonsyndromic hearing loss 7. Last evaluated: 2018-01-13. Review status: criteria provided, single submitter. Criteria: ICSL Variant Classification Criteria 13 December 2019. Collection method: clinical testing. Allele origin: germline.